The following is an entry in ClinVar:

ClinVar aggregate classification (germline): Uncertain significance (1 of 4 stars; one submission).

Conditions:
Early-infantile DEE. Also called: Early infantile epileptic encephalopathy; Early infantile epileptic encephalopathy with suppression bursts; Ohtahara syndrome. Identifiers: Orphanet 1934, MedGen C0393706, MONDO:0800491.

Allele frequency attached by ClinVar (database versions not stated): TOPMed below 0.00001; gnomAD 0.00001.
gnomAD v4.1: 1 of 1,553,612 alleles (0.000064%); highest among the groups gnomAD compares: Non-Finnish European, 0.000087%; no homozygotes.

Submission:

Labcorp Genetics (formerly Invitae), Labcorp
Classification: Uncertain significance for Early-infantile DEE. Last evaluated: 2024-03-11. Review status: criteria provided, single submitter. Criteria: Invitae Variant Classification Sherloc (09022015). Collection method: clinical testing. Allele origin: germline.
Comment: This sequence change replaces serine, which is neutral and polar, with phenylalanine, which is neutral and non-polar, at codon 952 of the KCNH5 protein (p.Ser952Phe). This variant is not present in population databases (gnomAD no frequency). This variant has not been reported in the literature in individuals affected with KCNH5-related conditions. Advanced modeling of protein sequence and biophysical properties (such as structural, functional, and spatial information, amino acid conservation, physicochemical variation, residue mobility, and thermodynamic stability) performed at Invitae indicates that this missense variant is not expected to disrupt KCNH5 protein function with a negative predictive value of 95%. In summary, the available evidence is currently insufficient to determine the role of this variant in disease. Therefore, it has been classified as a Variant of Uncertain Significance.

NM_139318.5(KCNH5):c.2855C>T (p.Ser952Phe)

Gene: KCNH5 (potassium voltage-gated channel subfamily H member 5; minus strand). Cytogenetic location: 14q23.2.
Variant type: single nucleotide variant.
Coding change: c.2855C>T on transcript NM_139318.5 (MANE Select); coding-DNA position 2855, C replaced by T.
Protein change: p.Ser952Phe; replaces serine 952 with phenylalanine.
Molecular consequence: missense variant. On other transcripts: 3 prime UTR variant (1).
Genome position (GRCh38, 1-based): chr14:62,707,620, G>A on the plus strand (C>T on the coding strand, the complement: KCNH5 is on the minus strand). VCF-style: chr14-62707620-G-A. GRCh37 (hg19) VCF-style: chr14-63174338-G-A.
Other names: c.*822C>T (NM_172375.3); short protein forms S952F.
Identifiers: ClinVar variation 2916435 (VCV002916435.3), dbSNP rs1269777290, ClinGen allele CA390099684.
Genomic context (GRCh38, chr14:62,707,620, plus strand): 5'-CTAAAAATATCCTGACATGGTATCTGGGGGGGTACTTGGAGTGGCATTTGGGATTTGGGA[G>A]ATGAGGCCTGGGGTACGCTTTTTTCCGACAGTATTTTTAAAATTTCTGCCACCTGCTTTT-3'
Protein context (NP_647479.2, residues 942-962): LSEKSVPQAS[Ser952Phe]PKSQMPLQVP